The following is an entry in ClinVar:

NM_001287491.2(TET3):c.3712G>A (p.Glu1238Lys)

Gene: TET3 (tet methylcytosine dioxygenase 3; plus strand). Cytogenetic location: 2p13.1.
Variant type: single nucleotide variant.
Coding change: c.3712G>A on transcript NM_001287491.2 (MANE Select); coding-DNA position 3712, G replaced by A.
Protein change: p.Glu1238Lys; replaces glutamic acid 1238 with lysine.
Molecular consequence: missense variant.
Genome position (GRCh38, 1-based): chr2:74,100,500, G>A. VCF-style: chr2-74100500-G-A. GRCh37 (hg19) VCF-style: chr2-74327627-G-A.
Other names: c.3433G>A, p.Glu1145Lys (NM_001366022.1); short protein forms E1145K, E1238K.
Identifiers: ClinVar variation 4076251 (VCV004076251.1).

ClinVar aggregate classification (germline): Uncertain significance (1 of 4 stars; one submission).

Conditions:
Beck-Fahrner syndrome (BEFAHRS). Identifiers: Orphanet 684216, MedGen C5394097, MONDO:0032922, OMIM 618798.

Submission:

Laboratorio de Genetica e Diagnostico Molecular, Hospital Israelita Albert Einstein
Classification: Uncertain significance for Beck-Fahrner syndrome. Last evaluated: 2024-06-14. Review status: criteria provided, single submitter. Criteria: ACMG Guidelines, 2015. Collection method: clinical testing. Allele origin: germline. Affected: yes.
Comment: ACMG classification criteria: PM2 supporting, PP2 supporting, BP4 supporting